The following is an entry in ClinVar:

ClinVar aggregate classification (germline): Likely benign. Review status: criteria provided, multiple submitters, no conflicts (2 of 4 stars). 2 submissions from 2 submitters: Likely benign (2). Last evaluated 2024-06-09.

Conditions:
Long QT syndrome (LQTS). Identifiers: MedGen C0023976, MeSH D008133, MONDO:0002442. Disease mechanism: loss of function. Inheritance: Various modes of inheritance.

gnomAD v4.1: 2 of 1,613,966 alleles (0.00012%); highest among the groups gnomAD compares: Non-Finnish European, 0.00017%; no homozygotes.

Submissions (2):

Labcorp Genetics (formerly Invitae), Labcorp
Classification: Likely benign for Long QT syndrome. Last evaluated: 2024-06-09. Review status: criteria provided, single submitter. Criteria: Invitae Variant Classification Sherloc (09022015). Collection method: clinical testing. Allele origin: germline.

GeneDx
Classification: Likely benign. Last evaluated: 2015-12-03. Review status: criteria provided, single submitter. Criteria: GeneDx Variant Classification (06012015). Collection method: clinical testing. Allele origin: germline. Affected: yes.
Comment: This variant is considered likely benign or benign based on one or more of the following criteria: it is a conservative change, it occurs at a poorly conserved position in the protein, it is predicted to be benign by multiple in silico algorithms, and/or has population frequency not consistent with disease.

NM_000719.7(CACNA1C):c.3087C>A (p.Ile1029=)

Gene: CACNA1C (calcium voltage-gated channel subunit alpha1 C; plus strand). Cytogenetic location: 12p13.33.
Variant type: single nucleotide variant.
Coding change: c.3087C>A on transcript NM_000719.7 (MANE Select); coding-DNA position 3087, C replaced by A.
Protein change: p.Ile1029=; no amino-acid change (isoleucine 1029 retained).
Molecular consequence: synonymous variant.
Genome position (GRCh38, 1-based): chr12:2,605,717, C>A. VCF-style: chr12-2605717-C-A. GRCh37 (hg19) VCF-style: chr12-2714883-C-A.
Other names: c.3147C>A, p.Ile1049= (NM_001129827.2, NM_001129832.2, NM_199460.4); c.3087C>A, p.Ile1029= (NM_001129829.2, NM_001129830.3, NM_001129831.2 and 15 more transcripts); c.3078C>A, p.Ile1026= (NM_001129844.2).
Identifiers: ClinVar variation 381982 (VCV000381982.3), dbSNP rs151211423, ClinGen allele CA16606509.